The following is an entry in ClinVar:

ClinVar aggregate classification (germline): Uncertain significance. Review status: criteria provided, multiple submitters, no conflicts (2 of 4 stars). 2 submissions from 2 submitters: Uncertain significance (2). Last evaluated 2024-09-30.

Conditions:
Ataxia-telangiectasia syndrome (AT). Also called: LOUIS-BAR SYNDROME; Cerebello-oculocutaneous telangiectasia; Immunodeficiency with ataxia telangiectasia; Ataxia telangiectasia (A-T); Ataxia-telangiectasia, complementation group D; AT, COMPLEMENTATION GROUP C. Identifiers: Orphanet 100, MedGen C0004135, MONDO:0008840, OMIM 208900.
Hereditary cancer-predisposing syndrome. Also called: Tumor predisposition; Neoplastic Syndromes, Hereditary; Hereditary Cancer Syndrome; Hereditary neoplastic syndrome. Identifiers: Orphanet 140162, MedGen C0027672, MeSH D009386, MONDO:0015356.

Submissions (2):

Labcorp Genetics (formerly Invitae), Labcorp
Classification: Uncertain significance for Ataxia-telangiectasia syndrome. Last evaluated: 2024-09-30. Review status: criteria provided, single submitter. Criteria: Invitae Variant Classification Sherloc (09022015). Collection method: clinical testing. Allele origin: germline.
Comment: This sequence change replaces glutamine, which is neutral and polar, with arginine, which is basic and polar, at codon 2243 of the ATM protein (p.Gln2243Arg). This variant is not present in population databases (gnomAD no frequency). This variant has not been reported in the literature in individuals affected with ATM-related conditions. An algorithm developed to predict the effect of missense changes on protein structure and function (PolyPhen-2) suggests that this variant is likely to be tolerated. In summary, the available evidence is currently insufficient to determine the role of this variant in disease. Therefore, it has been classified as a Variant of Uncertain Significance.

Ambry Genetics
Classification: Uncertain significance for Hereditary cancer-predisposing syndrome. Last evaluated: 2023-11-11. Review status: criteria provided, single submitter. Criteria: Ambry Variant Classification Scheme 2023. Collection method: clinical testing. Allele origin: germline.
Comment: The p.Q2243R variant (also known as c.6728A>G), located in coding exon 45 of the ATM gene, results from an A to G substitution at nucleotide position 6728. The glutamine at codon 2243 is replaced by arginine, an amino acid with highly similar properties. This amino acid position is conserved. In addition, this alteration is predicted to be tolerated by in silico analysis. Since supporting evidence is limited at this time, the clinical significance of this alteration remains unclear.

NM_000051.4(ATM):c.6728A>G (p.Gln2243Arg)

Genes: ATM (ATM serine/threonine kinase; plus strand), C11orf65 (chromosome 11 open reading frame 65; minus strand). Cytogenetic location: 11q22.3.
Variant type: single nucleotide variant.
Coding change: c.6728A>G on transcript NM_000051.4 (MANE Select); coding-DNA position 6728, A replaced by G.
Protein change: p.Gln2243Arg; replaces glutamine 2243 with arginine.
Molecular consequence: missense variant. On other transcripts: intron variant (2).
Genome position (GRCh38, 1-based): chr11:108,325,465, A>G. VCF-style: chr11-108325465-A-G. GRCh37 (hg19) VCF-style: chr11-108196192-A-G.
Other names: c.6728A>G, p.Gln2243Arg (NM_001351834.2); c.641-16394T>C (NM_001330368.2); c.*38+9755T>C (NM_001351110.2); short protein forms Q2243R.
Identifiers: ClinVar variation 2756856 (VCV002756856.4), dbSNP rs1565518723, ClinGen allele CA382555116.